The following is an entry in ClinVar:

ClinVar aggregate classification (germline): Uncertain significance (1 of 4 stars; one submission).

Conditions:
Inclusion body myopathy with Paget disease of bone and frontotemporal dementia. Also called: Inclusion body myopathy with early-onset Paget disease and frontotemporal dementia. Identifiers: Orphanet 52430, MedGen C1833662, MONDO:0000507.
Frontotemporal dementia and/or amyotrophic lateral sclerosis 6 (FTDALS6). Also called: VCP-Related Amyotrophic Lateral Sclerosis; VCP-Related Amyotrophic Lateral Sclerosis/Frontotemporal Dementia. Identifiers: Orphanet 275872, Orphanet 803, MedGen C5436279, MONDO:0013501, OMIM 613954.

Allele frequency attached by ClinVar (database versions not stated): TOPMed below 0.00001.

Submission:

Labcorp Genetics (formerly Invitae), Labcorp
Classification: Uncertain significance for Inclusion body myopathy with Paget disease of bone and frontotemporal dementia; Frontotemporal dementia and/or amyotrophic lateral sclerosis 6. Last evaluated: 2023-03-01. Review status: criteria provided, single submitter. Criteria: Invitae Variant Classification Sherloc (09022015). Collection method: clinical testing. Allele origin: germline.
Comment: This sequence change replaces isoleucine, which is neutral and non-polar, with leucine, which is neutral and non-polar, at codon 82 of the VCP protein (p.Ile82Leu). This variant is not present in population databases (gnomAD no frequency). This variant has not been reported in the literature in individuals affected with VCP-related conditions. An algorithm developed to predict the effect of missense changes on protein structure and function (PolyPhen-2) suggests that this variant is likely to be tolerated. In summary, the available evidence is currently insufficient to determine the role of this variant in disease. Therefore, it has been classified as a Variant of Uncertain Significance.

NM_007126.5(VCP):c.244A>C (p.Ile82Leu)

Gene: VCP (valosin containing protein; minus strand). Cytogenetic location: 9p13.3.
Variant type: single nucleotide variant.
Coding change: c.244A>C on transcript NM_007126.5 (MANE Select); coding-DNA position 244, A replaced by C.
Protein change: p.Ile82Leu; replaces isoleucine 82 with leucine.
Molecular consequence: missense variant.
Genome position (GRCh38, 1-based): chr9:35,067,949, T>G on the plus strand (A>C on the coding strand, the complement: VCP is on the minus strand). VCF-style: chr9-35067949-T-G. GRCh37 (hg19) VCF-style: chr9-35067946-T-G.
Other names: c.109A>C, p.Ile37Leu (NM_001354927.2, NM_001354928.2); short protein forms I82L, I37L.
Identifiers: ClinVar variation 2934749 (VCV002934749.3), dbSNP rs1828865716, ClinGen allele CA373293765.